The following is an entry in ClinVar:

NM_001035.3(RYR2):c.11060dup (p.Leu3687fs)

Gene: RYR2 (ryanodine receptor 2; plus strand). Cytogenetic location: 1q43.
Variant type: Duplication.
Coding change: c.11060dup on transcript NM_001035.3 (MANE Select); coding-DNA position 11060, one base duplicated (T; older notation c.11060dupT).
Protein change: p.Leu3687fs; shifts the reading frame from leucine 3687.
Molecular consequence: frameshift variant.
Genome position (GRCh38, 1-based): chr1:237,733,725, T duplicated; the last of 6 consecutive T bases (chr1:237,733,720-237,733,725); duplicating any one gives the same sequence. VCF-style (leftmost placement, unchanged base first): chr1-237733719-A-AT. GRCh37 (hg19) VCF-style: chr1-237897019-A-AT.
Other names: short protein forms L3687fs.
Identifiers: ClinVar variation 3393642 (VCV003393642.2).

ClinVar aggregate classification (germline): Uncertain significance (1 of 4 stars; one submission).

Submission:

GeneDx
Classification: Uncertain significance. Last evaluated: 2025-04-14. Review status: criteria provided, single submitter. Criteria: GeneDx Variant Classification Process June 2021. Collection method: clinical testing. Allele origin: germline. Affected: yes.
Comment: Not observed at significant frequency in large population cohorts (gnomAD); Frameshift variant predicted to result in protein truncation or nonsense mediated decay in a gene or region of a gene for which loss of function is not a well-established mechanism of disease; Has not been previously published as pathogenic or benign to our knowledge